The following is an entry in ClinVar:

NM_005476.7(GNE):c.600C>T (p.Ile200=)

Gene: GNE (glucosamine (UDP-N-acetyl)-2-epimerase/N-acetylmannosamine kinase; minus strand). Cytogenetic location: 9p13.3.
Variant type: single nucleotide variant.
Coding change: c.600C>T on transcript NM_005476.7 (MANE Select); coding-DNA position 600, C replaced by T.
Protein change: p.Ile200=; no amino-acid change (isoleucine 200 retained).
Molecular consequence: synonymous variant.
Genome position (GRCh38, 1-based): chr9:36,246,047, G>A on the plus strand (C>T on the coding strand, the complement: GNE is on the minus strand). VCF-style: chr9-36246047-G-A. GRCh37 (hg19) VCF-style: chr9-36246044-G-A.
Other names: p.Ile231=; c.693C>T, p.Ile231= (NM_001128227.3); c.600C>T, p.Ile200= (NM_001190383.3, NM_001374797.1); c.423C>T, p.Ile141= (NM_001190384.3, NM_001190388.2, NM_001374798.1).
Identifiers: ClinVar variation 196411 (VCV000196411.26), dbSNP rs7047950, ClinGen allele CA202360.

ClinVar aggregate classification (germline): Benign. Review status: criteria provided, multiple submitters, no conflicts (2 of 4 stars). 9 submissions from 9 submitters: Benign (8). 1 of the submissions does not count toward it. Last evaluated 2026-02-02.

Conditions:
GNE myopathy (NM). Also called: IBM 2; Inclusion body myopathy autosomal recessive; Inclusion body myopathy quadriceps sparing; NONAKA DISTAL MYOPATHY; INCLUSION BODY MYOPATHY 2, AUTOSOMAL RECESSIVE; MYOPATHY, DISTAL, WITH OR WITHOUT RIMMED VACUOLES. Identifiers: Orphanet 602, MedGen C1853926, MONDO:0011603, OMIM 605820.
Sialuria. Also called: SIALURIA, FRENCH TYPE; Sialic Acid Storage Disease. Identifiers: Orphanet 3166, MedGen C0342853, MONDO:0010028, OMIM 269921.

Allele frequency attached by ClinVar (database versions not stated): gnomAD exomes 0.00364 and 0.00843; ExAC 0.00976; gnomAD 0.02722 and 0.02902; 1000 Genomes Project 0.02815; 1000 Genomes Project 30x 0.02967; TOPMed 0.03115; ESP Exome Variant Server 0.03122.
gnomAD v4.1: 9,680 of 1,613,574 alleles (0.6%); highest among the groups gnomAD compares: African/African-American, 9.2%; 376 homozygotes.

Submissions (9):

Labcorp Genetics (formerly Invitae), Labcorp
Classification: Benign for Sialuria; GNE myopathy. Last evaluated: 2026-02-02. Review status: criteria provided, single submitter. Criteria: Invitae Variant Classification Sherloc (09022015). Collection method: clinical testing. Allele origin: germline.

Athena Diagnostics
Classification: Benign. Last evaluated: 2024-10-17. Review status: criteria provided, single submitter. Criteria: Athena Diagnostics Criteria. Collection method: clinical testing. Allele origin: unknown.

Mayo Clinic Laboratories, Mayo Clinic
Classification: Benign. Last evaluated: 2023-08-25. Review status: criteria provided, single submitter. Criteria: ACMG Guidelines, 2015. Collection method: clinical testing. Allele origin: germline. Observed: 46 variant alleles.

Illumina Laboratory Services, Illumina
Classification: Benign for Sialuria. Last evaluated: 2018-01-13. Review status: criteria provided, single submitter. Criteria: ICSL Variant Classification Criteria 13 December 2019. Collection method: clinical testing. Allele origin: germline.
Comment: This variant was observed in the ICSL laboratory as part of a predisposition screen in an ostensibly healthy population. It had not been previously curated by ICSL or reported in the Human Gene Mutation Database (HGMD: prior to June 1st, 2018), and was therefore a candidate for classification through an automated scoring system. Utilizing variant allele frequency, disease prevalence and penetrance estimates, and inheritance mode, an automated score was calculated to assess if this variant is too frequent to cause the disease. Based on the score and internal cut-off values, a variant classified as benign is not then subjected to further curation. The score for this variant resulted in a classification of benign for this disease.

Eurofins Ntd Llc (ga)
Classification: Benign. Last evaluated: 2016-08-24. Review status: criteria provided, single submitter. Criteria: EGL Classification Definitions 2015. Collection method: clinical testing. Allele origin: germline. Observed: 2 variant alleles, 2 heterozygotes.

GeneDx
Classification: Benign. Last evaluated: 2016-05-24. Review status: criteria provided, single submitter. Criteria: GeneDx Variant Classification (06012015). Collection method: clinical testing. Allele origin: germline. Affected: yes.
Comment: This variant is considered likely benign or benign based on one or more of the following criteria: it is a conservative change, it occurs at a poorly conserved position in the protein, it is predicted to be benign by multiple in silico algorithms, and/or has population frequency not consistent with disease.

Breakthrough Genomics
Classification: Benign. Review status: criteria provided, single submitter. Criteria: ACMG Guidelines, 2015. Collection method: not provided. Allele origin: germline. Inheritance: Autosomal recessive inheritance. Affected: yes.

PreventionGenetics, part of Exact Sciences
Classification: Benign. Review status: criteria provided, single submitter. Criteria: ACMG Guidelines, 2015. Collection method: clinical testing. Allele origin: germline.

Natera, Inc.
Classification: Benign for Nonaka myopathy. Last evaluated: 2020-09-16. Review status: no assertion criteria provided. Collection method: clinical testing. Allele origin: germline. Not counted in ClinVar's aggregate classification.